The following is an entry in ClinVar:

NM_002451.4(MTAP):c.166G>A (p.Val56Ile)

Gene: MTAP (methylthioadenosine phosphorylase; plus strand). Cytogenetic location: 9p21.3.
Variant type: single nucleotide variant.
Coding change: c.166G>A on transcript NM_002451.4 (MANE Select); coding-DNA position 166, G replaced by A.
Protein change: p.Val56Ile; replaces valine 56 with isoleucine.
Molecular consequence: missense variant.
Genome position (GRCh38, 1-based): chr9:21,816,759, G>A. VCF-style: chr9-21816759-G-A. GRCh37 (hg19) VCF-style: chr9-21816758-G-A.
Other names: short protein forms V56I.
Identifiers: ClinVar variation 366238 (VCV000366238.9), dbSNP rs7023954, ClinGen allele CA5011755.

ClinVar aggregate classification (germline): Benign. Review status: criteria provided, multiple submitters, no conflicts (2 of 4 stars). 5 submissions from 5 submitters: Benign (5). Last evaluated 2023-07-07.

Conditions:
Diaphyseal medullary stenosis-bone malignancy syndrome. Also called: MYOPATHY, LIMB-GIRDLE, WITH BONE FRAGILITY; BONE DYSPLASIA WITH MALIGNANT FIBROUS HISTIOCYTOMA; BONE DYSPLASIA WITH MEDULLARY FIBROSARCOMA. Identifiers: Orphanet 85182, MedGen C1862177, MONDO:0007205, OMIM 112250.

Allele frequency attached by ClinVar (database versions not stated): 1000 Genomes Project 0.38818; 1000 Genomes Project 30x 0.39022; ExAC 0.39442; gnomAD exomes 0.39658 and 0.40705; gnomAD 0.41765 and 0.42302; TOPMed 0.42087; ESP Exome Variant Server 0.42173.
gnomAD v4.1: 654,235 of 1,605,850 alleles (41%); highest among the groups gnomAD compares: African/African-American, 43%; 136,352 homozygotes.

Submissions (5):

KCCC/NGS Laboratory, Kuwait Cancer Control Center
Classification: Benign for Diaphyseal medullary stenosis-bone malignancy syndrome. Last evaluated: 2023-07-07. Review status: criteria provided, single submitter. Criteria: ACMG Guidelines, 2015. Collection method: clinical testing. Allele origin: germline. Affected: yes.

Mendelics
Classification: Benign for Diaphyseal medullary stenosis-bone malignancy syndrome. Last evaluated: 2019-05-28. Review status: criteria provided, single submitter. Criteria: Mendelics Assertion Criteria 2017. Collection method: clinical testing. Allele origin: unknown.

GeneDx
Classification: Benign. Last evaluated: 2018-11-12. Review status: criteria provided, single submitter. Criteria: GeneDx Variant Classification Process June 2021. Collection method: clinical testing. Allele origin: germline. Affected: yes.

Illumina Laboratory Services, Illumina
Classification: Benign for Diaphyseal medullary stenosis-bone malignancy syndrome. Last evaluated: 2018-01-13. Review status: criteria provided, single submitter. Criteria: ICSL Variant Classification Criteria 13 December 2019. Collection method: clinical testing. Allele origin: germline.
Comment: This variant was observed in the ICSL laboratory as part of a predisposition screen in an ostensibly healthy population. It had not been previously curated by ICSL or reported in the Human Gene Mutation Database (HGMD: prior to June 1st, 2018), and was therefore a candidate for classification through an automated scoring system. Utilizing variant allele frequency, disease prevalence and penetrance estimates, and inheritance mode, an automated score was calculated to assess if this variant is too frequent to cause the disease. Based on the score and internal cut-off values, a variant classified as benign is not then subjected to further curation. The score for this variant resulted in a classification of benign for this disease.

Breakthrough Genomics
Classification: Benign. Review status: criteria provided, single submitter. Criteria: ACMG Guidelines, 2015. Collection method: not provided. Allele origin: germline. Inheritance: Autosomal dominant inheritance. Affected: yes.